The following is an entry in ClinVar:

ClinVar aggregate classification (germline): Conflicting classifications of pathogenicity. Review status: criteria provided, conflicting classifications (1 of 4 stars). 6 submissions from 6 submitters: Uncertain significance (5); Likely benign (1). Last evaluated 2025-10-30.

Conditions:
ALMS1-related disorder. Also called: ALMS1-related condition.
Alstrom syndrome (ALMS). Identifiers: Orphanet 64, MedGen C0268425, MONDO:0008763, OMIM 203800.
Cardiovascular phenotype. Identifiers: MedGen CN230736.

Allele frequency attached by ClinVar (database versions not stated): gnomAD 0.00002 and 0.00005; TOPMed 0.00010; ExAC 0.00015; 1000 Genomes Project 30x 0.00031; 1000 Genomes Project 0.00040.
gnomAD v4.1: 109 of 1,613,994 alleles (0.0068%); highest among the groups gnomAD compares: East Asian, 0.15%; no homozygotes.

Submissions (6):

GeneDx
Classification: Uncertain significance. Last evaluated: 2025-10-30. Review status: criteria provided, single submitter. Criteria: GeneDx Variant Classification Process June 2021. Collection method: clinical testing. Allele origin: germline. Affected: yes.
Comment: Identified in a patient with unexplained kidney dysfunction in published literature (PMID: 35140360); In silico analysis suggests that this missense variant does not alter protein structure/function; This variant is associated with the following publications: (PMID: 35140360)

Ambry Genetics
Classification: Likely benign for Cardiovascular phenotype. Last evaluated: 2025-07-03. Review status: criteria provided, single submitter. Criteria: Ambry Variant Classification Scheme 2023. Collection method: clinical testing. Allele origin: germline.

Labcorp Genetics (formerly Invitae), Labcorp
Classification: Uncertain significance for Alstrom syndrome. Last evaluated: 2024-11-03. Review status: criteria provided, single submitter. Criteria: Invitae Variant Classification Sherloc (09022015). Collection method: clinical testing. Allele origin: germline.
Comment: This sequence change replaces arginine, which is basic and polar, with glutamine, which is neutral and polar, at codon 3607 of the ALMS1 protein (p.Arg3607Gln). This variant is present in population databases (rs148044176, gnomAD 0.2%). This missense change has been observed in individual(s) with clinical features of Alstr√∂m syndrome (PMID: 35140360). ClinVar contains an entry for this variant (Variation ID: 1300849). Experimental studies and prediction algorithms are not available or were not evaluated, and the functional significance of this variant is currently unknown. In summary, the available evidence is currently insufficient to determine the role of this variant in disease. Therefore, it has been classified as a Variant of Uncertain Significance.

PreventionGenetics, part of Exact Sciences
Classification: Uncertain significance for ALMS1-related condition. Last evaluated: 2023-08-12. Review status: criteria provided, single submitter. Criteria: ACMG Guidelines, 2015. Collection method: clinical testing. Allele origin: germline.
Comment: The ALMS1 c.10820G>A variant is predicted to result in the amino acid substitution p.Arg3607Gln. To our knowledge, this variant has not been reported in the literature. This variant is reported in 0.025% of alleles in individuals of African descent in gnomAD. At this time, the clinical significance of this variant is uncertain due to the absence of conclusive functional and genetic evidence.

Fulgent Genetics
Classification: Uncertain significance for Alstrom syndrome. Last evaluated: 2022-05-10. Review status: criteria provided, single submitter. Criteria: ACMG Guidelines, 2015. Collection method: clinical testing. Allele origin: unknown.

Women's Health and Genetics/Laboratory Corporation of America, LabCorp
Classification: Uncertain significance. Last evaluated: 2022-03-16. Review status: criteria provided, single submitter. Criteria: LabCorp Variant Classification Summary - May 2015. Collection method: clinical testing. Allele origin: germline.
Comment: Variant summary: ALMS1 c.10814G>A/p.Arg3605Gln (also known as c.10814G>A in RefSeq) results in a conservative amino acid change in the encoded protein sequence. Five of five in-silico tools predict a benign effect of the variant on protein function. The variant allele was found at a frequency of 0.00014 in 248584 control chromosomes, predominantly at a frequency of 0.0015 within the East Asian subpopulation in the gnomAD database. This frequency is not significantly higher than expected for a pathogenic variant in ALMS1 causing Alstrom Syndrome (0.00014 vs 0.0014), allowing no conclusion about variant significance. To our knowledge, no occurrence of c.10814G>A in individuals affected with Alstrom Syndrome and no experimental evidence demonstrating its impact on protein function have been reported. No clinical diagnostic laboratories have submitted clinical-significance assessments for this variant to ClinVar after 2014. Based on the evidence outlined above, the variant was classified as uncertain significance.

Literature cited by the submitters: PubMed 35140360 (cited by Ambry Genetics and Labcorp Genetics (formerly Invitae), Labcorp); PubMed 38546151 (cited by Ambry Genetics).

NM_001378454.1(ALMS1):c.10817G>A (p.Arg3606Gln)

Gene: ALMS1 (ALMS1 centrosome and basal body associated protein; plus strand). Cytogenetic location: 2p13.1.
Variant type: single nucleotide variant.
Coding change: c.10817G>A on transcript NM_001378454.1 (MANE Select); coding-DNA position 10817, G replaced by A.
Protein change: p.Arg3606Gln; replaces arginine 3606 with glutamine.
Molecular consequence: missense variant.
Genome position (GRCh38, 1-based): chr2:73,572,694, G>A. VCF-style: chr2-73572694-G-A. GRCh37 (hg19) VCF-style: chr2-73799821-G-A.
Other names: c.10820G>A, p.Arg3607Gln (NM_015120.4); short protein forms R3606Q, R3607Q.
Identifiers: ClinVar variation 1300849 (VCV001300849.11), dbSNP rs148044176, ClinGen allele CA1715063.
Genomic context (GRCh38, chr2:73,572,694, plus strand): 5'-TCACCCCAGAGCAAACAACTCAGCACACTGTGAGTTTGAATGAACTGTGGAACAAGTATC[G>A]GGAGCGACAGAGGCAACAGAGACAGCCTGAGTTGGGTGACAGGAAAGAACTGTCCTTGGT-3'
Protein context (NP_001365383.1, residues 3596-3616): VSLNELWNKY[Arg3606Gln]ERQRQQRQPE